The following is an entry in ClinVar:

ClinVar aggregate classification (germline): Uncertain significance (1 of 4 stars; one submission).

Conditions:
Alstrom syndrome (ALMS). Identifiers: Orphanet 64, MedGen C0268425, MONDO:0008763, OMIM 203800.

Allele frequency attached by ClinVar (database versions not stated): TOPMed 0.00001.
gnomAD v4.1: 7 of 1,612,692 alleles (0.00043%); highest among the groups gnomAD compares: African/African-American, 0.0013%; no homozygotes.

Submission:

Labcorp Genetics (formerly Invitae), Labcorp
Classification: Uncertain significance for Alstrom syndrome. Last evaluated: 2022-08-16. Review status: criteria provided, single submitter. Criteria: Invitae Variant Classification Sherloc (09022015). Collection method: clinical testing. Allele origin: germline.
Comment: This sequence change replaces arginine, which is basic and polar, with histidine, which is basic and polar, at codon 293 of the ALMS1 protein (p.Arg293His). This variant is present in population databases (no rsID available, gnomAD 0.006%). This variant has not been reported in the literature in individuals affected with ALMS1-related conditions. Experimental studies and prediction algorithms are not available or were not evaluated, and the functional significance of this variant is currently unknown. In summary, the available evidence is currently insufficient to determine the role of this variant in disease. Therefore, it has been classified as a Variant of Uncertain Significance.

NM_001378454.1(ALMS1):c.875G>A (p.Arg292His)

Gene: ALMS1 (ALMS1 centrosome and basal body associated protein; plus strand). Cytogenetic location: 2p13.1.
Variant type: single nucleotide variant.
Coding change: c.875G>A on transcript NM_001378454.1 (MANE Select); coding-DNA position 875, G replaced by A.
Protein change: p.Arg292His; replaces arginine 292 with histidine.
Molecular consequence: missense variant.
Genome position (GRCh38, 1-based): chr2:73,424,540, G>A. VCF-style: chr2-73424540-G-A. GRCh37 (hg19) VCF-style: chr2-73651668-G-A.
Other names: c.878G>A, p.Arg293His (NM_015120.4); short protein forms R292H, R293H.
Identifiers: ClinVar variation 2196974 (VCV002196974.1), dbSNP rs966793166, ClinGen allele CA50368019.